The following is an entry in ClinVar:

NM_001267550.2(TTN):c.44548G>T (p.Glu14850Ter)

Gene: TTN (titin; minus strand). Cytogenetic location: 2q31.2.
Variant type: single nucleotide variant.
Coding change: c.44548G>T on transcript NM_001267550.2 (MANE Select); coding-DNA position 44548, G replaced by T.
Protein change: p.Glu14850Ter; replaces glutamic acid 14850 with a stop codon.
Molecular consequence: nonsense.
Genome position (GRCh38, 1-based): chr2:178,625,273, C>A on the plus strand (G>T on the coding strand, the complement: TTN is on the minus strand). VCF-style: chr2-178625273-C-A. GRCh37 (hg19) VCF-style: chr2-179490000-C-A.
Other names: c.17353G>T, p.Glu5785Ter (NM_003319.4); c.36844G>T, p.Glu12282Ter (NM_133378.4); c.39625G>T, p.Glu13209Ter (NM_001256850.1); c.17728G>T, p.Glu5910Ter (NM_133432.3); c.17929G>T, p.Glu5977Ter (NM_133437.4); short protein forms E12282*, E13209*, E14850*, E5785*, E5910*, E5977*.
Identifiers: ClinVar variation 4526693 (VCV004526693.1).

ClinVar aggregate classification (germline): Likely pathogenic (1 of 4 stars; one submission).

Conditions:
Dilated cardiomyopathy 1G (CMD1G). Identifiers: Orphanet 154, MedGen C1858763, MONDO:0011400, OMIM 604145.

Submission:

Institute of Human Genetics, FAU Erlangen, Friedrich-Alexander-Universität Erlangen-Nürnberg
Classification: Likely pathogenic for Dilated cardiomyopathy 1G. Last evaluated: 2025-11-05. Review status: criteria provided, single submitter. Criteria: Hauer et al. (Genet Med. 2018). Collection method: clinical testing. Allele origin: germline. Inheritance: Unknown mechanism. Affected: yes. Observed: 1 variant allele.
Comment: This variant has been identified by standard clinical testing.